The following is an entry in ClinVar:

NM_000392.5(ABCC2):c.1858del (p.Asp620fs)

Gene: ABCC2 (ATP binding cassette subfamily C member 2; plus strand). Cytogenetic location: 10q24.2.
Variant type: Deletion.
Coding change: c.1858del on transcript NM_000392.5 (MANE Select); coding-DNA position 1858, one base deleted (G; older notation c.1858delG).
Protein change: p.Asp620fs; shifts the reading frame from aspartic acid 620.
Molecular consequence: frameshift variant.
Genome position (GRCh38, 1-based): chr10:99,810,176, G deleted; the last of 4 consecutive G bases (chr10:99,810,173-99,810,176); deleting any one gives the same sequence. VCF-style (leftmost placement, unchanged base first): chr10-99810172-AG-A. GRCh37 (hg19) VCF-style: chr10-101569929-AG-A.
Other names: short protein forms D620fs.
Identifiers: ClinVar variation 3014145 (VCV003014145.3), dbSNP rs781349168, ClinGen allele CA5643310.

ClinVar aggregate classification (germline): Pathogenic (1 of 4 stars; one submission).

Submission:

Labcorp Genetics (formerly Invitae), Labcorp
Classification: Pathogenic. Last evaluated: 2024-01-19. Review status: criteria provided, single submitter. Criteria: Invitae Variant Classification Sherloc (09022015). Collection method: clinical testing. Allele origin: germline.
Comment: This sequence change creates a premature translational stop signal (p.Asp620Metfs*38) in the ABCC2 gene. It is expected to result in an absent or disrupted protein product. Loss-of-function variants in ABCC2 are known to be pathogenic (PMID: 9185779, 16549534, 16952291). This variant is present in population databases (rs781349168, gnomAD 0.002%). This variant has not been reported in the literature in individuals affected with ABCC2-related conditions. For these reasons, this variant has been classified as Pathogenic.

Literature cited by the submitters: PubMed 9185779; PubMed 16549534; PubMed 16952291.